The following is an entry in ClinVar:

NM_000748.3(CHRNB2):c.1287C>T (p.Asp429=)

Gene: CHRNB2 (cholinergic receptor nicotinic beta 2 subunit; plus strand). Cytogenetic location: 1q21.3.
Variant type: single nucleotide variant.
Coding change: c.1287C>T on transcript NM_000748.3 (MANE Select); coding-DNA position 1287, C replaced by T.
Protein change: p.Asp429=; no amino-acid change (aspartic acid 429 retained).
Molecular consequence: synonymous variant.
Genome position (GRCh38, 1-based): chr1:154,572,110, C>T. VCF-style: chr1-154572110-C-T. GRCh37 (hg19) VCF-style: chr1-154544586-C-T.
Identifiers: ClinVar variation 392368 (VCV000392368.7), dbSNP rs1057524461, ClinGen allele CA16603422.

ClinVar aggregate classification (germline): Likely benign. Review status: criteria provided, multiple submitters, no conflicts (2 of 4 stars). 3 submissions from 3 submitters: Likely benign (3). Last evaluated 2022-09-04.

Conditions:
Familial sleep-related hypermotor epilepsy. Also called: Autosomal Dominant Sleep-Related Hypermotor (Hyperkinetic) Epilepsy. Identifiers: Orphanet 98784, MedGen C3696898, MONDO:0000030.
Inborn genetic diseases. Identifiers: MedGen C0950123, MeSH D030342.

Allele frequency attached by ClinVar (database versions not stated): gnomAD 0.00001; gnomAD exomes below 0.00001; TOPMed 0.00001.

Submissions (3):

Labcorp Genetics (formerly Invitae), Labcorp
Classification: Likely benign. Last evaluated: 2022-09-04. Review status: criteria provided, single submitter. Criteria: Invitae Variant Classification Sherloc (09022015). Collection method: clinical testing. Allele origin: germline.

Ambry Genetics
Classification: Likely benign for Inborn genetic diseases. Last evaluated: 2019-06-29. Review status: criteria provided, single submitter. Criteria: Ambry Variant Classification Scheme 2023. Collection method: clinical testing. Allele origin: germline.

GeneDx
Classification: Likely benign. Last evaluated: 2017-01-03. Review status: criteria provided, single submitter. Criteria: GeneDx Variant Classification (06012015). Collection method: clinical testing. Allele origin: germline. Affected: yes.
Comment: This variant is considered likely benign or benign based on one or more of the following criteria: it is a conservative change, it occurs at a poorly conserved position in the protein, it is predicted to be benign by multiple in silico algorithms, and/or has population frequency not consistent with disease.